The following is an entry in ClinVar:

NM_001368397.1(FRMPD4):c.3701C>A (p.Pro1234His)

Gene: FRMPD4 (FERM and PDZ domain containing 4; plus strand). Cytogenetic location: Xp22.2.
Variant type: single nucleotide variant.
Coding change: c.3701C>A on transcript NM_001368397.1 (MANE Select); coding-DNA position 3701, C replaced by A.
Protein change: p.Pro1234His; replaces proline 1234 with histidine.
Molecular consequence: missense variant.
Genome position (GRCh38, 1-based): chrX:12,718,527, C>A. VCF-style: chrX-12718527-C-A. GRCh37 (hg19) VCF-style: chrX-12736646-C-A.
Other names: c.3812C>A, p.Pro1271His (NM_001368395.3, NM_001368398.3); c.3707C>A, p.Pro1236His (NM_001368396.3); c.3692C>A, p.Pro1231His (NM_001368399.3); c.3581C>A, p.Pro1194His (NM_001368400.3); c.3677C>A, p.Pro1226His (NM_001368401.1, NM_001368402.3); c.3701C>A, p.Pro1234His (NM_014728.3); short protein forms P1194H, P1226H, P1231H, P1234H, P1236H, P1271H.
Identifiers: ClinVar variation 1695694 (VCV001695694.2), dbSNP rs2147177536, ClinGen allele CA412321916.

ClinVar aggregate classification (germline): Uncertain significance (1 of 4 stars; one submission).

Submission:

GeneDx
Classification: Uncertain significance. Last evaluated: 2022-01-04. Review status: criteria provided, single submitter. Criteria: GeneDx Variant Classification Process June 2021. Collection method: clinical testing. Allele origin: germline. Affected: yes.
Comment: Not observed at significant frequency in large population cohorts (gnomAD); In silico analysis supports that this missense variant has a deleterious effect on protein structure/function; Has not been previously published as pathogenic or benign to our knowledge